The following is an entry in ClinVar:

NM_000552.5(VWF):c.817C>T (p.Arg273Trp)

Gene: VWF (von Willebrand factor; minus strand). Cytogenetic location: 12p13.31.
Variant type: single nucleotide variant.
Coding change: c.817C>T on transcript NM_000552.5 (MANE Select); coding-DNA position 817, C replaced by T.
Protein change: p.Arg273Trp; replaces arginine 273 with tryptophan.
Molecular consequence: missense variant.
Genome position (GRCh38, 1-based): chr12:6,075,392, G>A on the plus strand (C>T on the coding strand, the complement: VWF is on the minus strand). VCF-style: chr12-6075392-G-A. GRCh37 (hg19) VCF-style: chr12-6184558-G-A.
Other names: c.817C>T (NM_000552.4); short protein forms R273W.
Identifiers: ClinVar variation 100493 (VCV000100493.17), dbSNP rs61753997, ClinGen allele CA228829.
Genomic context (GRCh38, chr12:6,075,392, plus strand): 5'-TACTGCACGCGCTGTGGTCGGTCCAGCCGTACAGCACCATTCCCTCCTGGGCACAGGTCC[G>A]GGCGTACTCCAGGAGGGCAGGGCAGGCGCACTCCAGCCCCCCAGCACACTCACACAAAGT-3'
Protein context (NP_000543.3, residues 263-283): CACPALLEYA[Arg273Trp]TCAQEGMVLY

ClinVar aggregate classification (germline): Pathogenic/Likely pathogenic. Review status: criteria provided, multiple submitters, no conflicts (2 of 4 stars). 6 submissions from 6 submitters: Pathogenic (3); Likely pathogenic (1). 2 of the submissions do not count toward it. Last evaluated 2025-03-07.

Conditions:
VWF-related disorder. Also called: VWF-related condition; VWF-related disorders.
Hereditary von Willebrand disease. Identifiers: Orphanet 903, MedGen C5703318, MONDO:0019565. Inheritance: Autosomal recessive or Autosomal dominant.
von Willebrand disease type 3 (VWD3). Also called: Type 3 Von Willebrand's disease; Type 3 VWD; Von Willebrand disease, severe form; V WD3; VON WILLEBRAND DISEASE, TYPE III. Identifiers: Orphanet 166096, MedGen C1264041, MONDO:0010191, OMIM 277480.
von Willebrand disease type 1 (VWD1). Also called: VWD, TYPE 1; VON WILLEBRAND DISEASE, TYPE I. Identifiers: Orphanet 166078, Orphanet 903, MedGen C1264039, MONDO:0008668, OMIM 193400. Inheritance: autosomal recessive or autosomal dominant.

Allele frequency attached by ClinVar (database versions not stated): ExAC 0.00002; gnomAD exomes 0.00003 and 0.00004; TOPMed 0.00003; gnomAD 0.00004 and 0.00005; ESP Exome Variant Server 0.00008; 1000 Genomes Project 0.00020; 1000 Genomes Project 30x 0.00031.
gnomAD v4.1: 61 of 1,614,082 alleles (0.0038%); highest among the groups gnomAD compares: Non-Finnish European, 0.0047%; no homozygotes.

Submissions (6):

Variantyx, Inc.
Classification: Likely pathogenic for von Willebrand disease type 3. Last evaluated: 2025-03-07. Review status: criteria provided, single submitter. Criteria: Variantyx Assertion Criteria 2022. Collection method: clinical testing. Allele origin: germline.
Comment: This is a nonsynonymous variant in the VWF gene (OMIM: 613160). Pathogenic variants in this gene have been associated with autosomal recessive von Willebrand disease type 3. This variant has been identified in the homozygous or compound heterozygous state in one or more of the following: the current proband, at least 4 individuals from the published literature (PMID: 10887119, 33550700, 23702511), or previous internal cases (PM3). Functional studies have shown that this variant alters VWF protein function (PMID: 10887119) (PS3_Moderate). Multiple computational algorithms predict a deleterious effect for this variant (REVEL score: 0.819) (PP3_Moderate). This variant has a 0.0047% maximum allele frequency in non-founder control populations (PM2_Supporting). Based on the current evidence, this variant is classified as likely pathogenic for autosomal recessive von Willebrand disease type 3.

Mayo Clinic Laboratories, Mayo Clinic
Classification: Pathogenic. Last evaluated: 2024-01-05. Review status: criteria provided, single submitter. Criteria: ACMG Guidelines, 2015. Collection method: clinical testing. Allele origin: germline. Observed: 2 variant alleles.
Comment: PP1_strong, PP3, PM1_supporting, PM3_strong, PS3

Women's Health and Genetics/Laboratory Corporation of America, LabCorp
Classification: Pathogenic for von Willebrand disorder. Last evaluated: 2023-10-27. Review status: criteria provided, single submitter. Criteria: LabCorp Variant Classification Summary - May 2015. Collection method: clinical testing. Allele origin: germline.
Comment: Variant summary: VWF c.817C>T (p.Arg273Trp) results in a non-conservative amino acid change located in the VWF/SSPO/Zonadhesin-like, cysteine-rich domain (IPR014853) of the encoded protein sequence. Five of five in-silico tools predict a damaging effect of the variant on protein function. The variant allele was found at a frequency of 2.8e-05 in 251078 control chromosomes (gnomAD). c.817C>T has been reported in the literature in multiple individuals affected with Von Willebrand Disease (Allen_2000, Hampshire_2013,- Ornaghi_2021). These data indicate that the variant is very likely to be associated with disease. At least one publication reports experimental evidence evaluating an impact on protein function, finding that the variant causes severely reduced VWF secretion and impaired formation of high-molecular-weight multimers (Allen_2000). The following publications have been ascertained in the context of this evaluation (PMID: 10887119, 23702511, 33550700). One submitter has cited a clinical-significance assessment for this variant to ClinVar after 2014 and has classified the variant as pathogenic. Based on the evidence outlined above, the variant was classified as pathogenic.

Laboratory of Medical Genetics, National & Kapodistrian University of Athens
Classification: Pathogenic for von Willebrand disease type 1. Last evaluated: 2022-10-17. Review status: criteria provided, single submitter. Criteria: ACMG Guidelines, 2015. Collection method: clinical testing. Allele origin: germline. Affected: yes.
Comment: PS3, PM1, PM2, PP3

PreventionGenetics, part of Exact Sciences
Classification: Pathogenic for VWF-related condition. Last evaluated: 2023-12-07. Review status: no assertion criteria provided. Collection method: clinical testing. Allele origin: germline. Not counted in ClinVar's aggregate classification.
Comment: The VWF c.817C>T variant is predicted to result in the amino acid substitution p.Arg273Trp. This variant has been reported in the homozygous or compound heterozygous states in individuals with Von Willebrand Disease Types 1, 2, and 3 (Allen et al. 2000. PubMed ID: 10887119; Hampshire et al. 2013. PubMed ID: 23702511; Ornaghi et al. 2021. PubMed ID: 33550700). Heterozygous carriers of p.Arg273Trp were apparently unaffected in one report suggesting that the p.Arg273Trp substitution may need to be paired with a second variant VWF allele or a particular genetic background to be disease causing (Hampshire et al. 2013. PubMed ID: 23702511). Functional studies indicate the p.Arg273Trp substitution causes impaired secretion of VWF protein and failure of VWF protein to form high molecular weight multimers (Allen et al. 2000. PubMed ID: 10887119; Allen et al. 2001. PubMed ID: 11162537). This variant is reported in 0.0053% of alleles in individuals of European (Non-Finnish) descent in gnomAD. This variant is interpreted as pathogenic.

Academic Unit of Haematology, University of Sheffield
No classification provided. Review status: no classification provided. Collection method: not provided. Allele origin: not provided. Not counted in ClinVar's aggregate classification.

Literature cited by the submitters: PubMed 10887119 (cited by Mayo Clinic Laboratories, Mayo Clinic and Women's Health and Genetics/Laboratory Corporation of America, LabCorp); PubMed 11162537 (cited by Mayo Clinic Laboratories, Mayo Clinic); PubMed 12791651 (cited by Mayo Clinic Laboratories, Mayo Clinic); PubMed 18485763 (cited by Mayo Clinic Laboratories, Mayo Clinic); PubMed 23311757 (cited by Mayo Clinic Laboratories, Mayo Clinic); PubMed 23702511 (cited by Mayo Clinic Laboratories, Mayo Clinic and Women's Health and Genetics/Laboratory Corporation of America, LabCorp); PubMed 28536718 (cited by Mayo Clinic Laboratories, Mayo Clinic); PubMed 33550700 (cited by Mayo Clinic Laboratories, Mayo Clinic and Women's Health and Genetics/Laboratory Corporation of America, LabCorp); PubMed 33556167 (cited by Mayo Clinic Laboratories, Mayo Clinic); PubMed 35466528 (cited by Mayo Clinic Laboratories, Mayo Clinic).